The following is an entry in ClinVar:

ClinVar aggregate classification (germline): Uncertain significance (1 of 4 stars; one submission).

Conditions:
Ehlers-Danlos syndrome, classic type, 1 (EDSCL1). Also called: EHLERS-DANLOS SYNDROME, GRAVIS TYPE; EHLERS-DANLOS SYNDROME, SEVERE CLASSIC TYPE; Ehlers-Danlos syndrome, type 1; EDS I; Ehlers-Danlos Syndrome, Classic Type, COL5A1-Related. Identifiers: MedGen C0268335, MONDO:0019567, OMIM 130000.

Submission:

Labcorp Genetics (formerly Invitae), Labcorp
Classification: Uncertain significance for Ehlers-Danlos syndrome, classic type, 1. Last evaluated: 2022-06-12. Review status: criteria provided, single submitter. Criteria: Invitae Variant Classification Sherloc (09022015). Collection method: clinical testing. Allele origin: germline.
Comment: This sequence change replaces proline, which is neutral and non-polar, with threonine, which is neutral and polar, at codon 1019 of the COL5A1 protein (p.Pro1019Thr). This variant is not present in population databases (gnomAD no frequency). This variant has not been reported in the literature in individuals affected with COL5A1-related conditions. Advanced modeling of protein sequence and biophysical properties (such as structural, functional, and spatial information, amino acid conservation, physicochemical variation, residue mobility, and thermodynamic stability) performed at Invitae indicates that this missense variant is not expected to disrupt COL5A1 protein function. In summary, the available evidence is currently insufficient to determine the role of this variant in disease. Therefore, it has been classified as a Variant of Uncertain Significance.

NM_000093.5(COL5A1):c.3055C>A (p.Pro1019Thr)

Gene: COL5A1 (collagen type V alpha 1 chain; plus strand). Cytogenetic location: 9q34.3.
Variant type: single nucleotide variant.
Coding change: c.3055C>A on transcript NM_000093.5 (MANE Select); coding-DNA position 3055, C replaced by A.
Protein change: p.Pro1019Thr; replaces proline 1019 with threonine.
Molecular consequence: missense variant.
Genome position (GRCh38, 1-based): chr9:134,802,936, C>A. VCF-style: chr9-134802936-C-A. GRCh37 (hg19) VCF-style: chr9-137694782-C-A.
Other names: c.3055C>A, p.Pro1019Thr (NM_001278074.1); short protein forms P1019T.
Identifiers: ClinVar variation 1958325 (VCV001958325.2), dbSNP rs193920927, ClinGen allele CA375448277.